The following is an entry in ClinVar:

ClinVar aggregate classification (germline): Uncertain significance. Review status: criteria provided, multiple submitters, no conflicts (2 of 4 stars). 3 submissions from 3 submitters: Uncertain significance (3). Last evaluated 2025-11-09.

Conditions:
Neuroblastoma, susceptibility to, 3. Also called: ALK-Related Neuroblastic Tumor Susceptibility. Identifiers: Orphanet 635, MedGen C2751681, MONDO:0013083, OMIM 613014.
Hereditary cancer-predisposing syndrome. Also called: Hereditary neoplastic syndrome; Tumor predisposition; Hereditary Cancer Syndrome; Neoplastic Syndromes, Hereditary. Identifiers: Orphanet 140162, MedGen C0027672, MeSH D009386, MONDO:0015356.

Submissions (3):

Labcorp Genetics (formerly Invitae), Labcorp
Classification: Uncertain significance for Neuroblastoma, susceptibility to, 3. Last evaluated: 2025-11-09. Review status: criteria provided, single submitter. Criteria: Invitae Variant Classification Sherloc (09022015). Collection method: clinical testing. Allele origin: germline.
Comment: This variant, c.3310_3312del, results in the deletion of 1 amino acid(s) of the ALK protein (p.Ser1104del), but otherwise preserves the integrity of the reading frame. This variant is not present in population databases (gnomAD no frequency). This variant has not been reported in the literature in individuals affected with ALK-related conditions. Experimental studies and prediction algorithms are not available or were not evaluated, and the functional significance of this variant is currently unknown. In summary, the available evidence is currently insufficient to determine the role of this variant in disease. Therefore, it has been classified as a Variant of Uncertain Significance.

Ambry Genetics
Classification: Uncertain significance for Hereditary cancer-predisposing syndrome. Last evaluated: 2025-05-29. Review status: criteria provided, single submitter. Criteria: Ambry Variant Classification Scheme 2023. Collection method: clinical testing. Allele origin: germline.
Comment: The c.3310_3312delTCC variant (also known as p.S1104del) is located in coding exon 20 of the ALK gene. This variant results from an in-frame TCC deletion at nucleotide positions 3310 to 3312. This results in the in-frame deletion of a serine at codon 1104. This amino acid position is highly conserved in available vertebrate species. In addition, this alteration is predicted to be deleterious by in silico analysis (Choi Y et al. PLoS ONE. 2012; 7(10):e46688). Based on the available evidence, the clinical significance of this variant remains unclear.

Baylor Genetics
Classification: Uncertain significance for Neuroblastoma, susceptibility to, 3. Last evaluated: 2024-02-27. Review status: criteria provided, single submitter. Criteria: ACMG Guidelines, 2015. Collection method: clinical testing. Allele origin: unknown.

NM_004304.5(ALK):c.3307TCC[1] (p.Ser1104del)

Gene: ALK (ALK receptor tyrosine kinase; minus strand). Cytogenetic location: 2p23.2.
Variant type: Microsatellite.
Coding change: c.3307TCC[1] on transcript NM_004304.5 (MANE Select); one copy of the 3-base unit TCC starting at c.3307; the reference has two copies in a row; one copy, 3 bases deleted; also written c.3310_3312del.
Protein change: p.Ser1104del; deletes serine 1104.
Molecular consequence: inframe deletion.
Genome position (GRCh38, 1-based): chr2:29,223,389-29,223,391, GGA deleted on the plus strand (TCC on the coding strand, the reverse complement: ALK is on the minus strand); deleting any 3 consecutive bases within chr2:29,223,389-29,223,396 gives the same sequence; the position shown is the placement nearest the transcript's 3' end. VCF-style (leftmost placement, unchanged base first): chr2-29223388-TGGA-T. GRCh37 (hg19) VCF-style: chr2-29446254-TGGA-T.
Other names: c.3310_3312del (NM_004304.5); c.103TCC[1], p.Ser36del (NM_001353765.2); short protein forms S1104del, S36del.
Identifiers: ClinVar variation 578856 (VCV000578856.13), dbSNP rs1338813327, ClinGen allele CA767513913.